The following is an entry in ClinVar:

ClinVar aggregate classification (germline): Likely benign (1 of 4 stars; one submission).

Submission:

GeneDx
Classification: Likely benign. Last evaluated: 2017-12-07. Review status: criteria provided, single submitter. Criteria: GeneDx Variant Classification (06012015). Collection method: clinical testing. Allele origin: germline. Affected: yes.
Comment: This variant is considered likely benign or benign based on one or more of the following criteria: it is a conservative change, it occurs at a poorly conserved position in the protein, it is predicted to be benign by multiple in silico algorithms, and/or has population frequency not consistent with disease.

NM_080680.3(COL11A2):c.2988+14C>G

Gene: COL11A2 (collagen type XI alpha 2 chain; minus strand). Cytogenetic location: 6p21.32.
Variant type: single nucleotide variant.
Coding change: c.2988+14C>G on transcript NM_080680.3 (MANE Select); 14 bases into the intron after coding-DNA position 2988, C replaced by G.
Molecular consequence: intron variant.
Genome position (GRCh38, 1-based): chr6:33,172,275, G>C on the plus strand (C>G on the coding strand, the complement: COL11A2 is on the minus strand). VCF-style: chr6-33172275-G-C. GRCh37 (hg19) VCF-style: chr6-33140052-G-C.
Other names: c.2667+14C>G (NM_080679.3); c.2730+14C>G (NM_080681.3).
Identifiers: ClinVar variation 513978 (VCV000513978.1), dbSNP rs1554217416, ClinGen allele CA658796735.